The following is an entry in ClinVar:

NM_172107.4(KCNQ2):c.355G>A (p.Glu119Lys)

Gene: KCNQ2 (potassium voltage-gated channel subfamily Q member 2; minus strand). Cytogenetic location: 20q13.33.
Variant type: single nucleotide variant.
Coding change: c.355G>A on transcript NM_172107.4 (MANE Select); coding-DNA position 355, G replaced by A.
Protein change: p.Glu119Lys; replaces glutamic acid 119 with lysine.
Molecular consequence: missense variant.
Genome position (GRCh38, 1-based): chr20:63,446,779, C>T on the plus strand (G>A on the coding strand, the complement: KCNQ2 is on the minus strand). VCF-style: chr20-63446779-C-T. GRCh37 (hg19) VCF-style: chr20-62078132-C-T.
Other names: c.355G>A, p.Glu119Lys (NM_001382235.1, NM_001439003.1, NM_001439004.1 and 4 more transcripts); short protein forms E119K.
Identifiers: ClinVar variation 4803160 (VCV004803160.1).

ClinVar aggregate classification (germline): Uncertain significance (1 of 4 stars; one submission).

Conditions:
Early-infantile DEE. Also called: Early infantile epileptic encephalopathy; Early infantile epileptic encephalopathy with suppression bursts; Ohtahara syndrome. Identifiers: Orphanet 1934, MedGen C0393706, MONDO:0800491.

Submission:

Labcorp Genetics (formerly Invitae), Labcorp
Classification: Uncertain significance for Early-infantile DEE. Last evaluated: 2026-01-16. Review status: criteria provided, single submitter. Criteria: Invitae Variant Classification Sherloc (09022015). Collection method: clinical testing. Allele origin: germline.
Comment: This sequence change replaces glutamic acid, which is acidic and polar, with lysine, which is basic and polar, at codon 119 of the KCNQ2 protein (p.Glu119Lys). This variant is not present in population databases (gnomAD no frequency). This variant has not been reported in the literature in individuals affected with KCNQ2-related conditions. Invitae Evidence Modeling of protein sequence and biophysical properties (such as structural, functional, and spatial information, amino acid conservation, physicochemical variation, residue mobility, and thermodynamic stability) has been performed for this missense variant. However, the output from this modeling did not meet the statistical confidence thresholds required to predict the impact of this variant on KCNQ2 protein function. This variant disrupts the p.Glu119 amino acid residue in KCNQ2. Other variant(s) that disrupt this residue have been determined to be pathogenic (PMID: 18006581). This suggests that this residue is clinically significant, and that variants that disrupt this residue are likely to be disease-causing. In summary, the available evidence is currently insufficient to determine the role of this variant in disease. Therefore, it has been classified as a Variant of Uncertain Significance.

Literature cited by the submitters: PubMed 18006581.